The following is an entry in ClinVar:

ClinVar aggregate classification (germline): Uncertain significance. Review status: criteria provided, multiple submitters, no conflicts (2 of 4 stars). 2 submissions from 2 submitters: Uncertain significance (2). Last evaluated 2022-04-06.

Allele frequency attached by ClinVar (database versions not stated): TOPMed below 0.00001; gnomAD 0.00001; gnomAD exomes 0.00001.
gnomAD v4.1: 22 of 1,613,906 alleles (0.0014%); highest among the groups gnomAD compares: Non-Finnish European, 0.0019%; no homozygotes.

Submissions (2):

Labcorp Genetics (formerly Invitae), Labcorp
Classification: Uncertain significance. Last evaluated: 2022-04-06. Review status: criteria provided, single submitter. Criteria: Invitae Variant Classification Sherloc (09022015). Collection method: clinical testing. Allele origin: germline.
Comment: This sequence change replaces serine, which is neutral and polar, with proline, which is neutral and non-polar, at codon 1025 of the CEP250 protein (p.Ser1025Pro). This variant is present in population databases (no rsID available, gnomAD 0.0009%). This variant has not been reported in the literature in individuals affected with CEP250-related conditions. Algorithms developed to predict the effect of missense changes on protein structure and function are either unavailable or do not agree on the potential impact of this missense change (SIFT: "Not Available"; PolyPhen-2: "Probably Damaging"; Align-GVGD: "Not Available"). In summary, the available evidence is currently insufficient to determine the role of this variant in disease. Therefore, it has been classified as a Variant of Uncertain Significance.

Blueprint Genetics
Classification: Uncertain significance. Last evaluated: 2021-11-17. Review status: criteria provided, single submitter. Criteria: ACMG Guidelines, 2015. Collection method: clinical testing. Allele origin: germline.

NM_007186.6(CEP250):c.3073T>C (p.Ser1025Pro)

Gene: CEP250 (centrosomal protein 250; plus strand). Cytogenetic location: 20q11.22.
Variant type: single nucleotide variant.
Coding change: c.3073T>C on transcript NM_007186.6 (MANE Select); coding-DNA position 3073, T replaced by C.
Protein change: p.Ser1025Pro; replaces serine 1025 with proline.
Molecular consequence: missense variant.
Genome position (GRCh38, 1-based): chr20:35,494,563, T>C. VCF-style: chr20-35494563-T-C. GRCh37 (hg19) VCF-style: chr20-34082390-T-C.
Other names: c.1177T>C, p.Ser393Pro (NM_001318219.1); short protein forms S393P, S1025P.
Identifiers: ClinVar variation 1907102 (VCV001907102.3), dbSNP rs1228969350, ClinGen allele CA408741986.